The following is an entry in ClinVar:

NM_001127208.3(TET2):c.1817C>A (p.Thr606Asn)

Genes: TET2 (tet methylcytosine dioxygenase 2; plus strand), TET2-AS1 (TET2 antisense RNA 1; minus strand). Cytogenetic location: 4q24.
Variant type: single nucleotide variant.
Coding change: c.1817C>A on transcript NM_001127208.3 (MANE Select); coding-DNA position 1817, C replaced by A.
Protein change: p.Thr606Asn; replaces threonine 606 with asparagine.
Molecular consequence: missense variant.
Genome position (GRCh38, 1-based): chr4:105,235,759, C>A. VCF-style: chr4-105235759-C-A. GRCh37 (hg19) VCF-style: chr4-106156916-C-A.
Other names: c.1817C>A, p.Thr606Asn (NM_017628.4); short protein forms T606N.
Identifiers: ClinVar variation 3967538 (VCV003967538.1).

ClinVar aggregate classification (germline): Uncertain significance (1 of 4 stars; one submission).

gnomAD v4.1: 3 of 1,614,062 alleles (0.00019%); highest among the groups gnomAD compares: African/African-American, 0.0013%; no homozygotes.

Submission:

Ambry Genetics
Classification: Uncertain significance. Last evaluated: 2025-04-06. Review status: criteria provided, single submitter. Criteria: Ambry Variant Classification Scheme 2023. Collection method: clinical testing. Allele origin: germline.
Comment: The p.T606N variant (also known as c.1817C>A), located in coding exon 1 of the TET2 gene, results from a C to A substitution at nucleotide position 1817. The threonine at codon 606 is replaced by asparagine, an amino acid with similar properties. This amino acid position is conserved. In addition, this alteration is predicted to be tolerated by in silico analysis. Based on the available evidence, the clinical significance of this variant remains unclear.